The following is an entry in ClinVar:

NM_001943.5(DSG2):c.1325C>A (p.Ser442Tyr)

Gene: DSG2 (desmoglein 2; plus strand). Cytogenetic location: 18q12.1.
Variant type: single nucleotide variant.
Coding change: c.1325C>A on transcript NM_001943.5 (MANE Select); coding-DNA position 1325, C replaced by A.
Protein change: p.Ser442Tyr; replaces serine 442 with tyrosine.
Molecular consequence: missense variant.
Genome position (GRCh38, 1-based): chr18:31,535,314, C>A. VCF-style: chr18-31535314-C-A. GRCh37 (hg19) VCF-style: chr18-29115277-C-A.
Other names: short protein forms S442Y.
Identifiers: ClinVar variation 4689807 (VCV004689807.3).

ClinVar aggregate classification (germline): Uncertain significance. Review status: criteria provided, multiple submitters, no conflicts (2 of 4 stars). 3 submissions from 3 submitters: Uncertain significance (3). Last evaluated 2026-06-09.

Conditions:
Cardiovascular phenotype. Identifiers: MedGen CN230736.
Arrhythmogenic right ventricular dysplasia 10. Also called: Arrhythmogenic Right Ventricular Dysplasia/Cardiomyopathy10; ARRHYTHMOGENIC RIGHT VENTRICULAR DYSPLASIA, FAMILIAL, 10; Arrhythmogenic right ventricular dysplasia/cardiomyopathy, type 10. Identifiers: MedGen C1857777, MONDO:0012434, OMIM 610193.

gnomAD v4.1: 1 of 1,597,670 alleles (0.000063%); highest among the groups gnomAD compares: East Asian, 0.0022%; no homozygotes.

Submissions (3):

Ambry Genetics
Classification: Uncertain significance for Cardiovascular phenotype. Last evaluated: 2026-06-09. Review status: criteria provided, single submitter. Criteria: Ambry Variant Classification Scheme 2023. Collection method: clinical testing. Allele origin: germline.
Comment: The p.S442Y variant (also known as c.1325C>A), located in coding exon 10 of the DSG2 gene, results from a C to A substitution at nucleotide position 1325. The serine at codon 442 is replaced by tyrosine, an amino acid with dissimilar properties. This amino acid position is conserved. In addition, the in silico prediction for this alteration is inconclusive. Based on the available evidence, the clinical significance of this variant remains unclear.

Labcorp Genetics (formerly Invitae), Labcorp
Classification: Uncertain significance for Arrhythmogenic right ventricular dysplasia 10. Last evaluated: 2025-09-23. Review status: criteria provided, single submitter. Criteria: Invitae Variant Classification Sherloc (09022015). Collection method: clinical testing. Allele origin: germline.
Comment: This sequence change replaces serine, which is neutral and polar, with tyrosine, which is neutral and polar, at codon 442 of the DSG2 protein (p.Ser442Tyr). The frequency data for this variant in the population databases is considered unreliable, as metrics indicate poor data quality at this position in the gnomAD database. This variant has not been reported in the literature in individuals affected with DSG2-related conditions. Invitae Evidence Modeling of protein sequence and biophysical properties (such as structural, functional, and spatial information, amino acid conservation, physicochemical variation, residue mobility, and thermodynamic stability) has been performed for this missense variant. However, the output from this modeling did not meet the statistical confidence thresholds required to predict the impact of this variant on DSG2 protein function. In summary, the available evidence is currently insufficient to determine the role of this variant in disease. Therefore, it has been classified as a Variant of Uncertain Significance.

GeneDx
Classification: Uncertain significance. Last evaluated: 2025-07-28. Review status: criteria provided, single submitter. Criteria: GeneDx Variant Classification Process June 2021. Collection method: clinical testing. Allele origin: germline. Affected: yes.
Comment: Not observed at significant frequency in large population cohorts (gnomAD); In silico analysis supports that this missense variant has a deleterious effect on protein structure/function; Has not been previously published as pathogenic or benign to our knowledge